The following is an entry in ClinVar:

NM_198252.3(GSN):c.1283A>G (p.Asn428Ser)

Gene: GSN (gelsolin; plus strand). Cytogenetic location: 9q33.2.
Variant type: single nucleotide variant.
Coding change: c.1283A>G on transcript NM_198252.3 (MANE Select); coding-DNA position 1283, A replaced by G.
Protein change: p.Asn428Ser; replaces asparagine 428 with serine.
Molecular consequence: missense variant.
Genome position (GRCh38, 1-based): chr9:121,321,359, A>G. VCF-style: chr9-121321359-A-G. GRCh37 (hg19) VCF-style: chr9-124083637-A-G.
Other names: p.Asn479Ser; c.1436A>G, p.Asn479Ser (NM_000177.5); c.1283A>G, p.Asn428Ser (NM_001127662.2, NM_001127664.2, NM_001127665.2 and 10 more transcripts); c.1391A>G, p.Asn464Ser (NM_001127663.2); c.1316A>G, p.Asn439Ser (NM_001127666.2, NM_001127667.2, NM_001353066.2 and 13 more transcripts); c.1334A>G, p.Asn445Ser (NM_001258029.2); c.1307A>G, p.Asn436Ser (NM_001258030.2); c.1355A>G, p.Asn452Ser (NM_001353076.2); and 1 more; short protein forms N210S, N452S, N479S, N428S, N464S, N436S, N439S, N445S.
Identifiers: ClinVar variation 1347225 (VCV001347225.7), dbSNP rs2062421646, ClinGen allele CA374749963.

ClinVar aggregate classification (germline): Uncertain significance. Review status: criteria provided, multiple submitters, no conflicts (2 of 4 stars). 2 submissions from 2 submitters: Uncertain significance (2). Last evaluated 2023-11-03.

Allele frequency attached by ClinVar (database versions not stated): gnomAD exomes below 0.00001; TOPMed below 0.00001.
gnomAD v4.1: 5 of 1,614,106 alleles (0.00031%); highest among the groups gnomAD compares: Non-Finnish European, 0.00042%; no homozygotes.

Submissions (2):

Mayo Clinic Laboratories, Mayo Clinic
Classification: Uncertain significance. Last evaluated: 2023-11-03. Review status: criteria provided, single submitter. Criteria: ACMG Guidelines, 2015. Collection method: clinical testing. Allele origin: germline. Observed: 1 variant allele.
Comment: BP4, PM2

Labcorp Genetics (formerly Invitae), Labcorp
Classification: Uncertain significance. Last evaluated: 2021-10-04. Review status: criteria provided, single submitter. Criteria: Invitae Variant Classification Sherloc (09022015). Collection method: clinical testing. Allele origin: germline.
Comment: This variant is not present in population databases (ExAC no frequency). This variant has not been reported in the literature in individuals affected with GSN-related conditions. Algorithms developed to predict the effect of missense changes on protein structure and function (SIFT, PolyPhen-2, Align-GVGD) all suggest that this variant is likely to be tolerated. Algorithms developed to predict the effect of sequence changes on RNA splicing suggest that this variant may create or strengthen a splice site. In summary, the available evidence is currently insufficient to determine the role of this variant in disease. Therefore, it has been classified as a Variant of Uncertain Significance. This sequence change replaces asparagine with serine at codon 479 of the GSN protein (p.Asn479Ser). The asparagine residue is moderately conserved and there is a small physicochemical difference between asparagine and serine.